The following is an entry in ClinVar:

ClinVar aggregate classification (germline): Likely benign (0 of 4 stars; one submission).

Conditions:
PKD1-related disorder. Also called: PKD1-related condition.

gnomAD v4.1: 40 of 1,424,492 alleles (0.0028%); highest among the groups gnomAD compares: African/African-American, 0.0057%; no homozygotes.

Submission:

PreventionGenetics, part of Exact Sciences
Classification: Likely benign for PKD1-related condition. Last evaluated: 2022-11-02. Review status: no assertion criteria provided. Collection method: clinical testing. Allele origin: germline.
Comment: This variant is classified as likely benign based on ACMG/AMP sequence variant interpretation guidelines (Richards et al. 2015 PMID: 25741868, with internal and published modifications).

NM_001009944.3(PKD1):c.2923C>T (p.Leu975=)

Gene: PKD1 (polycystin 1, transient receptor potential channel interacting; minus strand). Cytogenetic location: 16p13.3.
Variant type: single nucleotide variant.
Coding change: c.2923C>T on transcript NM_001009944.3 (MANE Select); coding-DNA position 2923, C replaced by T.
Protein change: p.Leu975=; no amino-acid change (leucine 975 retained).
Molecular consequence: synonymous variant.
Genome position (GRCh38, 1-based): chr16:2,113,223, G>A on the plus strand (C>T on the coding strand, the complement: PKD1 is on the minus strand). VCF-style: chr16-2113223-G-A. GRCh37 (hg19) VCF-style: chr16-2163224-G-A.
Other names: c.2923C>T, p.Leu975= (NM_000296.4).
Identifiers: ClinVar variation 3043636 (VCV003043636.2), dbSNP rs961951428, ClinGen allele CA276782386.